The following is an entry in ClinVar:

NC_000008.10:g.(?_70515407)_(70517187_?)dup

Gene: SULF1 (sulfatase 1; plus strand). Cytogenetic location: 8q13.3.
Variant type: Duplication.
Identifiers: ClinVar variation 1410182 (VCV001410182.5).

ClinVar aggregate classification (germline): Uncertain significance (1 of 4 stars; one submission).

Submission:

Labcorp Genetics (formerly Invitae), Labcorp
Classification: Uncertain significance. Last evaluated: 2022-08-09. Review status: criteria provided, single submitter. Criteria: Invitae Variant Classification Sherloc (09022015). Collection method: clinical testing. Allele origin: germline.
Comment: In summary, the available evidence is currently insufficient to determine the role of this variant in disease. Therefore, it has been classified as a Variant of Uncertain Significance. This variant has not been reported in the literature in individuals affected with SULF1-related conditions. This variant results in a copy number gain of the genomic region encompassing exon(s) 11-13 of the SULF1 gene. While the exact position of this variant cannot be determined from the data, sub-genic copy number gains are generally in tandem (PMID: 25640679). This variant is predicted to be out-of-frame, and may result in an absent or disrupted protein product. However, the current clinical and genetic evidence is not sufficient to establish whether loss-of-function variants in SULF1 cause disease.

Literature cited by the submitters: PubMed 25640679.